The following is an entry in ClinVar:

NM_020975.6(RET):c.1273G>T (p.Val425Phe)

Gene: RET (ret proto-oncogene; plus strand). Cytogenetic location: 10q11.21.
Variant type: single nucleotide variant.
Coding change: c.1273G>T on transcript NM_020975.6 (MANE Select); coding-DNA position 1273, G replaced by T.
Protein change: p.Val425Phe; replaces valine 425 with phenylalanine.
Molecular consequence: missense variant.
Genome position (GRCh38, 1-based): chr10:43,111,216, G>T. VCF-style: chr10-43111216-G-T. GRCh37 (hg19) VCF-style: chr10-43606664-G-T.
Other names: c.1273G>T, p.Val425Phe (NM_000323.2, NM_001406743.1, NM_001406744.1 and 6 more transcripts); c.511G>T, p.Val171Phe (NM_001355216.2); c.1144G>T, p.Val382Phe (NM_001406761.1, NM_001406762.1, NM_001406764.1 and 1 more transcripts); c.985G>T, p.Val329Phe (NM_001406766.1, NM_001406767.1, NM_001406770.1); c.877G>T, p.Val293Phe (NM_001406769.1, NM_001406772.1); c.835G>T, p.Val279Phe (NM_001406771.1, NM_001406773.1); c.748G>T, p.Val250Phe (NM_001406774.1); c.547G>T, p.Val183Phe (NM_001406775.1, NM_001406776.1, NM_001406777.1 and 1 more transcripts); and 1 more; short protein forms V171F, V425F, V250F, V279F, V329F, V293F, V382F, V95F.
Identifiers: ClinVar variation 660858 (VCV000660858.9), dbSNP rs764558748, ClinGen allele CA376548841.

ClinVar aggregate classification (germline): Uncertain significance (1 of 4 stars; one submission).

Conditions:
Multiple endocrine neoplasia, type 2 (MEN2). Identifiers: Orphanet 653, MedGen C4048306, MONDO:0019003. Disease mechanism: gain of function.

Submission:

Labcorp Genetics (formerly Invitae), Labcorp
Classification: Uncertain significance for Multiple endocrine neoplasia, type 2. Last evaluated: 2018-11-17. Review status: criteria provided, single submitter. Criteria: Invitae Variant Classification Sherloc (09022015). Collection method: clinical testing. Allele origin: germline.
Comment: This sequence change replaces valine with phenylalanine at codon 425 of the RET protein (p.Val425Phe). The valine residue is moderately conserved and there is a small physicochemical difference between valine and phenylalanine. This variant is not present in population databases (ExAC no frequency). This variant has not been reported in the literature in individuals with RET-related disease. Algorithms developed to predict the effect of missense changes on protein structure and function (SIFT, PolyPhen-2, Align-GVGD) all suggest that this variant is likely to be tolerated, but these predictions have not been confirmed by published functional studies and their clinical significance is uncertain. In summary, the available evidence is currently insufficient to determine the role of this variant in disease. Therefore, it has been classified as a Variant of Uncertain Significance.